The following is an entry in ClinVar:

ClinVar aggregate classification (germline): Uncertain significance. Review status: criteria provided, multiple submitters, no conflicts (2 of 4 stars). 3 submissions from 3 submitters: Uncertain significance (3). Last evaluated 2026-07-08.

Conditions:
RP1L1-related disorder. Also called: RP1L1-related condition.
Inborn genetic diseases. Identifiers: MedGen C0950123, MeSH D030342.

Allele frequency attached by ClinVar (database versions not stated): gnomAD exomes below 0.00001; ExAC 0.00001.
gnomAD v4.1: 6 of 1,613,492 alleles (0.00037%); highest among the groups gnomAD compares: African/African-American, 0.0053%; no homozygotes.

Submissions (3):

PreventionGenetics, part of Exact Sciences
Classification: Uncertain significance for RP1L1-related condition. Last evaluated: 2026-07-08. Review status: criteria provided, single submitter. Criteria: ACMG Guidelines, 2015. Collection method: clinical testing. Allele origin: germline.
Comment: The RP1L1 c.4982C>A variant is predicted to result in the amino acid substitution p.Ala1661Asp. To our knowledge, this variant has not been reported in the literature. This variant is absent in a large population database (gnomAD), indicating this variant is rare. At this time, the clinical significance of this variant is uncertain due to the absence of conclusive functional and genetic evidence.

Blueprint Genetics
Classification: Uncertain significance. Last evaluated: 2022-12-30. Review status: criteria provided, single submitter. Criteria: ACMG Guidelines, 2015. Collection method: clinical testing. Allele origin: germline.

Ambry Genetics
Classification: Uncertain significance for Inborn genetic diseases. Last evaluated: 2021-06-23. Review status: criteria provided, single submitter. Criteria: Ambry Variant Classification Scheme 2023. Collection method: clinical testing. Allele origin: germline.

NM_178857.6(RP1L1):c.4982C>A (p.Ala1661Asp)

Gene: RP1L1 (RP1 like 1). Cytogenetic location: 8p23.1.
Variant type: single nucleotide variant.
Coding change: c.4982C>A on transcript NM_178857.6 (MANE Select); coding-DNA position 4982, C replaced by A.
Protein change: p.Ala1661Asp; replaces alanine 1661 with aspartic acid.
Molecular consequence: missense variant.
Genome position (GRCh38, 1-based): chr8:10,609,116, G>T on the plus strand (C>A on the coding strand, the complement: RP1L1 is on the minus strand). VCF-style: chr8-10609116-G-T. GRCh37 (hg19) VCF-style: chr8-10466626-G-T.
Other names: short protein forms A1661D.
Identifiers: ClinVar variation 2216846 (VCV002216846.4), dbSNP rs746619103, ClinGen allele CA4623803.
Genomic context (GRCh38, chr8:10,609,116, plus strand): 5'-CCTCTGGTTGCCCCCATTGTGGCCTTGGGGGACATAGGGCTCACTTTCTTCCTCACGCAG[G>T]CCTCGCAGGGACAGAACTCCTCCCCCTCCGCCTCCTCGCCCAGCTGGCTCCCCAGGGCTG-3'
Protein context (NP_849188.4, residues 1651-1671): AEGEEFCPCE[Ala1661Asp]CVRKKVSPMS